The following is an entry in ClinVar:

ClinVar aggregate classification (germline): Likely pathogenic (1 of 4 stars; one submission).

Conditions:
Neuronal ceroid lipofuscinosis 5 (CLN5). Also called: Neuronal ceroid lipofuscinosis Finnish variant; NEURONAL CEROID LIPOFUSCINOSIS, LATE INFANTILE, FINNISH VARIANT; CLN5-Related Neuronal Ceroid-Lipofuscinosis; CEROID LIPOFUSCINOSIS, NEURONAL, 5, VARIABLE AGE AT ONSET. Identifiers: Orphanet 168491, Orphanet 228360, MedGen C1850442, MONDO:0009745, OMIM 256731.

Submission:

Kasturba Medical College, Manipal, Kasturba Medical College, Manipal, Manipal Academy of Higher Education, Manipal, India
Classification: Likely pathogenic for Neuronal ceroid lipofuscinosis 5. Last evaluated: 2025-11-08. Review status: criteria provided, single submitter. Criteria: ACMG Guidelines, 2015. Collection method: research. Allele origin: biparental. Inheritance: Autosomal recessive inheritance. Affected: yes. Observed: 1 homozygote.
Comment: This variant is not reported in homozygous and/or heterozygous state in the population database gnomAD (v4.1.0) and our in-house exome database of 3840 individuals. This deletion is likely to cause a shift in the reading frame and result in a premature truncation of the transcript, which can either lead to nonsense-mediated mRNA decay or the formation of a truncated CLN5 protein product.

NM_006493.4(CLN5):c.570del (p.Asn190fs)

Gene: CLN5 (CLN5 lysosomal BMP synthase; plus strand). Cytogenetic location: 13q22.3.
Variant type: Deletion.
Coding change: c.570del on transcript NM_006493.4 (MANE Select); coding-DNA position 570, one base deleted (C; older notation c.570delC).
Protein change: p.Asn190fs; shifts the reading frame from asparagine 190.
Molecular consequence: frameshift variant. On other transcripts: 3 prime UTR variant (1).
Genome position (GRCh38, 1-based): chr13:77,000,462, C deleted. VCF-style (leftmost placement, unchanged base first): chr13-77000461-AC-A. GRCh37 (hg19) VCF-style: chr13-77574596-AC-A.
Other names: c.*19del (NM_001366624.2); short protein forms N190fs.
Identifiers: ClinVar variation 4529506 (VCV004529506.1).